The following is an entry in ClinVar:

NM_001184880.2(PCDH19):c.2606C>T (p.Pro869Leu)

Genes: PCDH19 (protocadherin 19; minus strand), LOC125467768 (CDK7 strongly-dependent group 2 enhancer GRCh37_chrX:99657381-99658580; plus strand). Cytogenetic location: Xq22.1.
Variant type: single nucleotide variant.
Coding change: c.2606C>T on transcript NM_001184880.2 (MANE Select); coding-DNA position 2606, C replaced by T.
Protein change: p.Pro869Leu; replaces proline 869 with leucine.
Molecular consequence: missense variant.
Genome position (GRCh38, 1-based): chrX:100,402,534, G>A on the plus strand (C>T on the coding strand, the complement: PCDH19 is on the minus strand). VCF-style: chrX-100402534-G-A. GRCh37 (hg19) VCF-style: chrX-99657532-G-A.
Other names: c.2465C>T, p.Pro822Leu (NM_001105243.2, NM_020766.3); short protein forms P869L, P822L.
Identifiers: ClinVar variation 2089947 (VCV002089947.4), dbSNP rs2520954959, ClinGen allele CA414005207.

ClinVar aggregate classification (germline): Uncertain significance (1 of 4 stars; one submission).

Conditions:
Developmental and epileptic encephalopathy, 9 (DEE9). Also called: Early infantile epileptic encephalopathy 9; EPILEPSY, FEMALE-RESTRICTED, WITH MENTAL RETARDATION; PCDH19-Related X-Linked Female-Limited Epilepsy with Mental Retardation; JUBERG-HELLMAN SYNDROME. Identifiers: Orphanet 101039, Orphanet 2076, MedGen C1848137, MONDO:0010246, OMIM 300088. Disease mechanism: loss of function.

Allele frequency attached by ClinVar (database versions not stated): gnomAD exomes below 0.00001.
gnomAD v4.1: 1 of 1,210,700 alleles (0.000083%); highest among the groups gnomAD compares: Non-Finnish European, 0.00011%; no homozygotes.

Submission:

Labcorp Genetics (formerly Invitae), Labcorp
Classification: Uncertain significance for Developmental and epileptic encephalopathy, 9. Last evaluated: 2024-07-08. Review status: criteria provided, single submitter. Criteria: Invitae Variant Classification Sherloc (09022015). Collection method: clinical testing. Allele origin: germline.
Comment: This sequence change replaces proline, which is neutral and non-polar, with leucine, which is neutral and non-polar, at codon 869 of the PCDH19 protein (p.Pro869Leu). This variant is not present in population databases (gnomAD no frequency). This variant has not been reported in the literature in individuals affected with PCDH19-related conditions. ClinVar contains an entry for this variant (Variation ID: 2089947). Advanced modeling of protein sequence and biophysical properties (such as structural, functional, and spatial information, amino acid conservation, physicochemical variation, residue mobility, and thermodynamic stability) performed at Invitae indicates that this missense variant is not expected to disrupt PCDH19 protein function with a negative predictive value of 95%. In summary, the available evidence is currently insufficient to determine the role of this variant in disease. Therefore, it has been classified as a Variant of Uncertain Significance.